The following is an entry in ClinVar:

ClinVar aggregate classification (germline): Likely pathogenic (1 of 4 stars; one submission).

Conditions:
Distichiasis-lymphedema syndrome. Also called: LYMPHEDEMA WITH DISTICHIASIS. Identifiers: Orphanet 33001, MedGen C0265345, MONDO:0007922, OMIM 153400.

Submission:

Clinical Genetics Laboratory, Skane University Hospital Lund
Classification: Likely pathogenic for Distichiasis-lymphedema syndrome. Last evaluated: 2025-07-17. Review status: criteria provided, single submitter. Criteria: ACMG Guidelines, 2015. Collection method: clinical testing. Allele origin: germline. Affected: yes.
Comment: ACMG criteria used: PVS1_Strong, PM2, PP4

NM_005251.3(FOXC2):c.586dup (p.Ala196fs)

Gene: FOXC2 (forkhead box C2; plus strand). Cytogenetic location: 16q24.1.
Variant type: Duplication.
Coding change: c.586dup on transcript NM_005251.3 (MANE Select); coding-DNA position 586, one base duplicated (G; older notation c.586dupG).
Protein change: p.Ala196fs; shifts the reading frame from alanine 196.
Molecular consequence: frameshift variant.
Genome position (GRCh38, 1-based): chr16:86,567,921, G duplicated; the last of 2 consecutive G bases (chr16:86,567,920-86,567,921); duplicating either gives the same sequence. VCF-style (leftmost placement, unchanged base first): chr16-86567919-C-CG. GRCh37 (hg19) VCF-style: chr16-86601525-C-CG.
Other names: short protein forms A196fs.
Identifiers: ClinVar variation 4057218 (VCV004057218.1).